The following is an entry in ClinVar:

ClinVar aggregate classification (germline): Uncertain significance (1 of 4 stars; one submission).

Conditions:
Spastic paraplegia. Identifiers: MedGen C0037772, HP:0001258.

Allele frequency attached by ClinVar (database versions not stated): gnomAD exomes 0.00001; ExAC 0.00002; gnomAD 0.00004 and 0.00005; TOPMed 0.00004; ESP Exome Variant Server 0.00008; 1000 Genomes Project 0.00020; 1000 Genomes Project 30x 0.00031.
gnomAD v4.1: 19 of 1,613,330 alleles (0.0012%); highest among the groups gnomAD compares: Admixed American, 0.012%; no homozygotes.

Submission:

Labcorp Genetics (formerly Invitae), Labcorp
Classification: Uncertain significance for Spastic paraplegia. Last evaluated: 2019-09-22. Review status: criteria provided, single submitter. Criteria: Invitae Variant Classification Sherloc (09022015). Collection method: clinical testing. Allele origin: germline.
Comment: In summary, the available evidence is currently insufficient to determine the role of this variant in disease. Therefore, it has been classified as a Variant of Uncertain Significance. Algorithms developed to predict the effect of missense changes on protein structure and function output the following: SIFT: "Tolerated"; PolyPhen-2: "Benign"; Align-GVGD: "Class C0". The glutamine amino acid residue is found in multiple mammalian species, suggesting that this missense change does not adversely affect protein function. These predictions have not been confirmed by published functional studies and their clinical significance is uncertain. This variant has not been reported in the literature in individuals with ARSI-related conditions. This variant is present in population databases (rs202078693, ExAC 0.01%). This sequence change replaces arginine with glutamine at codon 537 of the ARSI protein (p.Arg537Gln). The arginine residue is weakly conserved and there is a small physicochemical difference between arginine and glutamine.

NM_001012301.4(ARSI):c.1610G>A (p.Arg537Gln)

Gene: ARSI (arylsulfatase family member I; minus strand). Cytogenetic location: 5q32.
Variant type: single nucleotide variant.
Coding change: c.1610G>A on transcript NM_001012301.4 (MANE Select); coding-DNA position 1610, G replaced by A.
Protein change: p.Arg537Gln; replaces arginine 537 with glutamine.
Molecular consequence: missense variant.
Genome position (GRCh38, 1-based): chr5:150,297,314, C>T on the plus strand (G>A on the coding strand, the complement: ARSI is on the minus strand). VCF-style: chr5-150297314-C-T. GRCh37 (hg19) VCF-style: chr5-149676877-C-T.
Other names: short protein forms R537Q.
Identifiers: ClinVar variation 936045 (VCV000936045.10), dbSNP rs202078693, ClinGen allele CA3510040.